The following is an entry in ClinVar:

NM_000156.6(GAMT):c.472C>T (p.Arg158Cys)

Gene: GAMT (guanidinoacetate N-methyltransferase; minus strand). Cytogenetic location: 19p13.3.
Variant type: single nucleotide variant.
Coding change: c.472C>T on transcript NM_000156.6 (MANE Select); coding-DNA position 472, C replaced by T.
Protein change: p.Arg158Cys; replaces arginine 158 with cysteine.
Molecular consequence: missense variant.
Genome position (GRCh38, 1-based): chr19:1,399,014, G>A on the plus strand (C>T on the coding strand, the complement: GAMT is on the minus strand). VCF-style: chr19-1399014-G-A. GRCh37 (hg19) VCF-style: chr19-1399013-G-A.
Other names: c.472C>T, p.Arg158Cys (NM_138924.3); short protein forms R158C.
Identifiers: ClinVar variation 544256 (VCV000544256.9), dbSNP rs758217156, ClinGen allele CA9043634.

ClinVar aggregate classification (germline): Uncertain significance. Review status: criteria provided, multiple submitters, no conflicts (2 of 4 stars). 4 submissions from 4 submitters: Uncertain significance (3). 1 of the submissions does not count toward it. Last evaluated 2026-03-31.

Conditions:
Deficiency of guanidinoacetate methyltransferase (CCDS2). Also called: GAMT DEFICIENCY; CEREBRAL CREATINE DEFICIENCY SYNDROME 2; Guanidinoacetate Methyltransferase (GAMT) Deficiency. Identifiers: Orphanet 382, MedGen C0574080, MONDO:0012999, OMIM 612736.
Cerebral creatine deficiency syndrome. Also called: Creatine deficiency syndromes. Identifiers: Orphanet 79172, MedGen C5244016, MONDO:0000456.
Inborn genetic diseases. Identifiers: MedGen C0950123, MeSH D030342.

Allele frequency attached by ClinVar (database versions not stated): ExAC 0.00003; TOPMed 0.00001; gnomAD exomes 0.00002.
gnomAD v4.1: 35 of 1,613,480 alleles (0.0022%); highest among the groups gnomAD compares: Admixed American, 0.005%; no homozygotes.

Submissions (4):

Ambry Genetics
Classification: Uncertain significance for Inborn genetic diseases. Last evaluated: 2026-03-31. Review status: criteria provided, single submitter. Criteria: Ambry Variant Classification Scheme 2023. Collection method: clinical testing. Allele origin: germline.
Comment: The c.472C>T (p.R158C) alteration is located in exon 5 (coding exon 5) of the GAMT gene. This alteration results from a C to T substitution at nucleotide position 472, causing the arginine (R) at amino acid position 158 to be replaced by a cysteine (C). Based on data from gnomAD, the T allele has an overall frequency of 0.002% (4/250780) total alleles studied. The highest observed frequency was 0.009% (3/34568) of Latino alleles. Based on insufficient or conflicting evidence, the clinical significance of this alteration remains unclear.

Labcorp Genetics (formerly Invitae), Labcorp
Classification: Uncertain significance for Cerebral creatine deficiency syndrome. Last evaluated: 2024-12-09. Review status: criteria provided, single submitter. Criteria: Invitae Variant Classification Sherloc (09022015). Collection method: clinical testing. Allele origin: germline.
Comment: This sequence change replaces arginine, which is basic and polar, with cysteine, which is neutral and slightly polar, at codon 158 of the GAMT protein (p.Arg158Cys). This variant is present in population databases (rs758217156, gnomAD 0.009%). This variant has not been reported in the literature in individuals affected with GAMT-related conditions. ClinVar contains an entry for this variant (Variation ID: 544256). Invitae Evidence Modeling of protein sequence and biophysical properties (such as structural, functional, and spatial information, amino acid conservation, physicochemical variation, residue mobility, and thermodynamic stability) indicates that this missense variant is expected to disrupt GAMT protein function with a positive predictive value of 95%. In summary, the available evidence is currently insufficient to determine the role of this variant in disease. Therefore, it has been classified as a Variant of Uncertain Significance.

Breakthrough Genomics
Classification: Uncertain significance. Review status: criteria provided, single submitter. Criteria: ACMG Guidelines, 2015. Collection method: not provided. Allele origin: germline. Inheritance: Autosomal recessive inheritance. Affected: yes.

Natera, Inc.
Classification: Uncertain significance for Guanidinoacetate methyltransferase deficiency. Last evaluated: 2019-10-28. Review status: no assertion criteria provided. Collection method: clinical testing. Allele origin: germline. Not counted in ClinVar's aggregate classification.